The following is an entry in ClinVar:

NM_000168.6(GLI3):c.1550G>T (p.Trp517Leu)

Gene: GLI3 (GLI family zinc finger 3; minus strand). Cytogenetic location: 7p14.1.
Variant type: single nucleotide variant.
Coding change: c.1550G>T on transcript NM_000168.6 (MANE Select); coding-DNA position 1550, G replaced by T.
Protein change: p.Trp517Leu; replaces tryptophan 517 with leucine.
Molecular consequence: missense variant.
Genome position (GRCh38, 1-based): chr7:41,978,696, C>A on the plus strand (G>T on the coding strand, the complement: GLI3 is on the minus strand). VCF-style: chr7-41978696-C-A. GRCh37 (hg19) VCF-style: chr7-42018295-C-A.
Other names: short protein forms W517L.
Identifiers: ClinVar variation 1312332 (VCV001312332.3), dbSNP rs2128712829, ClinGen allele CA367325645.

ClinVar aggregate classification (germline): Uncertain significance. Review status: criteria provided, multiple submitters, no conflicts (2 of 4 stars). 2 submissions from 2 submitters: Uncertain significance (2). Last evaluated 2024-10-02.

Conditions:
Inborn genetic diseases. Identifiers: MedGen C0950123, MeSH D030342.

Submissions (2):

Ambry Genetics
Classification: Uncertain significance for Inborn genetic diseases. Last evaluated: 2024-10-02. Review status: criteria provided, single submitter. Criteria: Ambry Variant Classification Scheme 2023. Collection method: clinical testing. Allele origin: germline.
Comment: The c.1550G>T (p.W517L) alteration is located in exon 11 (coding exon 10) of the GLI3 gene. This alteration results from a G to T substitution at nucleotide position 1550, causing the tryptophan (W) at amino acid position 517 to be replaced by a leucine (L). This variant was not reported in population-based cohorts in the Genome Aggregation Database (gnomAD). This amino acid position is highly conserved in available vertebrate species. This missense alteration is located in a region that has a low rate of benign missense variation (Lek, 2016; Firth, 2009). This alteration is predicted to be deleterious by in silico analysis. Based on insufficient or conflicting evidence, the clinical significance of this alteration remains unclear.

GeneDx
Classification: Uncertain significance. Last evaluated: 2019-09-19. Review status: criteria provided, single submitter. Criteria: GeneDx Variant Classification Process June 2021. Collection method: clinical testing. Allele origin: germline. Affected: yes.
Comment: Not observed in large population cohorts (Lek et al., 2016); In silico analysis, which includes protein predictors and evolutionary conservation, supports a deleterious effect; Has not been previously published as pathogenic or benign to our knowledge